The following is an entry in ClinVar:

ClinVar aggregate classification (germline): Uncertain significance (1 of 4 stars; one submission).

gnomAD v4.1: 9 of 1,612,028 alleles (0.00056%); highest among the groups gnomAD compares: South Asian, 0.0022%; no homozygotes.

Submission:

Labcorp Genetics (formerly Invitae), Labcorp
Classification: Uncertain significance. Last evaluated: 2024-11-27. Review status: criteria provided, single submitter. Criteria: Invitae Variant Classification Sherloc (09022015). Collection method: clinical testing. Allele origin: germline.
Comment: This sequence change replaces glycine, which is neutral and non-polar, with serine, which is neutral and polar, at codon 2772 of the RNF213 protein (p.Gly2772Ser). This variant is present in population databases (rs374686009, gnomAD 0.007%). This variant has not been reported in the literature in individuals affected with RNF213-related conditions. Invitae Evidence Modeling of protein sequence and biophysical properties (such as structural, functional, and spatial information, amino acid conservation, physicochemical variation, residue mobility, and thermodynamic stability) indicates that this missense variant is expected to disrupt RNF213 protein function with a positive predictive value of 95%. In summary, the available evidence is currently insufficient to determine the role of this variant in disease. Therefore, it has been classified as a Variant of Uncertain Significance.

NM_001256071.3(RNF213):c.8314G>A (p.Gly2772Ser)

Gene: RNF213 (ring finger protein 213; plus strand). Cytogenetic location: 17q25.3.
Variant type: single nucleotide variant.
Coding change: c.8314G>A on transcript NM_001256071.3 (MANE Select); coding-DNA position 8314, G replaced by A.
Protein change: p.Gly2772Ser; replaces glycine 2772 with serine.
Molecular consequence: missense variant.
Genome position (GRCh38, 1-based): chr17:80,346,649, G>A. VCF-style: chr17-80346649-G-A. GRCh37 (hg19) VCF-style: chr17-78320449-G-A.
Other names: c.8461G>A, p.Gly2821Ser (NM_001410195.1, NM_020914.5); short protein forms G2772S, G2821S.
Identifiers: ClinVar variation 3675521 (VCV003675521.2).
Genomic context (GRCh38, chr17:80,346,649, plus strand): 5'-GTCTTCATGATGGTCGTCTGCATCGAGCTGAAGATTCCCCTCTTCCTGGTGGGGAAGCCC[G>A]GCAGCTCCAAGTCTCTCGCCAAGACCATCGTGGCAGACGCCATGCAGGGCCCGGCTGCCT-3'
Protein context (NP_001243000.2, residues 2762-2782): KIPLFLVGKP[Gly2772Ser]SSKSLAKTIV